The following is an entry in ClinVar:

NM_016955.4(SEPSECS):c.1267A>G (p.Met423Val)

Gene: SEPSECS (Sep (O-phosphoserine) tRNA:Sec (selenocysteine) tRNA synthase; minus strand). Cytogenetic location: 4p15.2.
Variant type: single nucleotide variant.
Coding change: c.1267A>G on transcript NM_016955.4 (MANE Select); coding-DNA position 1267, A replaced by G.
Protein change: p.Met423Val; replaces methionine 423 with valine.
Molecular consequence: missense variant.
Genome position (GRCh38, 1-based): chr4:25,124,170, T>C on the plus strand (A>G on the coding strand, the complement: SEPSECS is on the minus strand). VCF-style: chr4-25124170-T-C. GRCh37 (hg19) VCF-style: chr4-25125792-T-C.
Other names: c.1522A>G, p.Met508Val (NM_001410714.1); short protein forms M423V, M508V.
Identifiers: ClinVar variation 3897212 (VCV003897212.2).

ClinVar aggregate classification (germline): Uncertain significance (1 of 4 stars; one submission).

Submission:

GeneDx
Classification: Uncertain significance. Last evaluated: 2026-03-10. Review status: criteria provided, single submitter. Criteria: GeneDx Variant Classification Process June 2021. Collection method: clinical testing. Allele origin: germline.
Comment: Not observed at significant frequency in large population cohorts (gnomAD); In silico analysis suggests that this missense variant does not alter protein structure/function; Has not been previously published as pathogenic or benign to our knowledge